The following is an entry in ClinVar:

ClinVar aggregate classification (germline): Uncertain significance (0 of 4 stars; one submission).

Conditions:
ALB-related disorder. Also called: ALB-related condition.

gnomAD v4.1: 10 of 1,613,756 alleles (0.00062%); highest among the groups gnomAD compares: East Asian, 0.02%; no homozygotes.

Submission:

PreventionGenetics, part of Exact Sciences
Classification: Uncertain significance for ALB-related condition. Last evaluated: 2024-06-09. Review status: no assertion criteria provided. Collection method: clinical testing. Allele origin: germline.
Comment: The ALB c.676A>C variant is predicted to result in the amino acid substitution p.Ser226Arg. To our knowledge, this variant has not been reported in the literature. This variant is reported in 0.015% of alleles in individuals of East Asian descent in gnomAD. At this time, the clinical significance of this variant is uncertain due to the absence of conclusive functional and genetic evidence.

NM_000477.7(ALB):c.676A>C (p.Ser226Arg)

Gene: ALB (albumin; plus strand). Cytogenetic location: 4q13.3.
Variant type: single nucleotide variant.
Coding change: c.676A>C on transcript NM_000477.7 (MANE Select); coding-DNA position 676, A replaced by C.
Protein change: p.Ser226Arg; replaces serine 226 with arginine.
Molecular consequence: missense variant.
Genome position (GRCh38, 1-based): chr4:73,410,372, A>C. VCF-style: chr4-73410372-A-C. GRCh37 (hg19) VCF-style: chr4-74276089-A-C.
Other names: short protein forms S226R.
Identifiers: ClinVar variation 3348436 (VCV003348436.1).